The following is an entry in ClinVar:

NM_001348716.2(KDM6B):c.4697G>A (p.Arg1566His)

Gene: KDM6B (lysine demethylase 6B; plus strand). Cytogenetic location: 17p13.1.
Variant type: single nucleotide variant.
Coding change: c.4697G>A on transcript NM_001348716.2 (MANE Select); coding-DNA position 4697, G replaced by A.
Protein change: p.Arg1566His; replaces arginine 1566 with histidine.
Molecular consequence: missense variant.
Genome position (GRCh38, 1-based): chr17:7,853,086, G>A. VCF-style: chr17-7853086-G-A. GRCh37 (hg19) VCF-style: chr17-7756404-G-A.
Other names: c.4697G>A, p.Arg1566His (NM_001080424.2); short protein forms R1566H.
Identifiers: ClinVar variation 2553172 (VCV002553172.3), dbSNP rs2544536311, ClinGen allele CA397928389.
Genomic context (GRCh38, chr17:7,853,086, plus strand): 5'-ACTGCCAGGTGCAACGCGAGAGCCTGGTGCGGGCAGGGAAGAAAATCGCTTACCAGGGCC[G>A]TGTCAAGGACGAGCCAGCCTACTACTGCAACGAGTGCGATGTGAGTGGGCCGGCTCTGCT-3'
Protein context (NP_001335645.1, residues 1556-1576): RAGKKIAYQG[Arg1566His]VKDEPAYYCN

ClinVar aggregate classification (germline): Uncertain significance. Review status: criteria provided, multiple submitters, no conflicts (2 of 4 stars). 2 submissions from 2 submitters: Uncertain significance (2). Last evaluated 2024-09-25.

Conditions:
Inborn genetic diseases. Identifiers: MedGen C0950123, MeSH D030342.

Submissions (2):

GeneDx
Classification: Uncertain significance. Last evaluated: 2024-09-25. Review status: criteria provided, single submitter. Criteria: GeneDx Variant Classification Process June 2021. Collection method: clinical testing. Allele origin: germline. Affected: yes.
Comment: Not observed at significant frequency in large population cohorts (gnomAD); In silico analysis supports that this missense variant has a deleterious effect on protein structure/function; Has not been previously published as pathogenic or benign to our knowledge

Ambry Genetics
Classification: Uncertain significance for Inborn genetic diseases. Last evaluated: 2023-05-30. Review status: criteria provided, single submitter. Criteria: Ambry Variant Classification Scheme 2023. Collection method: clinical testing. Allele origin: germline.